The following is an entry in ClinVar:

ClinVar aggregate classification (germline): Pathogenic (1 of 4 stars; one submission).

Conditions:
Granulomatous disease, chronic, X-linked. Also called: CYTOCHROME b-NEGATIVE GRANULOMATOUS DISEASE, CHRONIC, X-LINKED; GRANULOMATOUS DISEASE, CHRONIC, X-LINKED, SOMATIC MOSAIC. Identifiers: Orphanet 379, MedGen C1844376, MONDO:0010600, OMIM 306400.

Submission:

Labcorp Genetics (formerly Invitae), Labcorp
Classification: Pathogenic for Granulomatous disease, chronic, X-linked. Last evaluated: 2017-12-25. Review status: criteria provided, single submitter. Criteria: Invitae Variant Classification Sherloc (09022015). Collection method: clinical testing. Allele origin: germline.
Comment: This sequence change creates a premature translational stop signal (p.Gln261*) in the CYBB gene. It is expected to result in an absent or disrupted protein product. For these reasons, this variant has been classified as Pathogenic. Loss-of-function variants in CYBB are known to be pathogenic (PMID: 9585602, 20729109). This variant has been reported in individuals affected with chronic granulomatous disease (PMID: 8634410). This variant is also known as c.763C>T (p.Gln261>stop) in the literature (PMID: 8634410). This variant is not present in population databases (ExAC no frequency).

Literature cited by the submitters: PubMed 9585602; PubMed 20729109; PubMed 8634410.

NM_000397.4(CYBB):c.781C>T (p.Gln261Ter)

Gene: CYBB (cytochrome b-245 beta chain; plus strand). Cytogenetic location: Xp21.1.
Variant type: single nucleotide variant.
Coding change: c.781C>T on transcript NM_000397.4 (MANE Select); coding-DNA position 781, C replaced by T.
Protein change: p.Gln261Ter; replaces glutamine 261 with a stop codon.
Molecular consequence: nonsense.
Genome position (GRCh38, 1-based): chrX:37,799,061, C>T. VCF-style: chrX-37799061-C-T. GRCh37 (hg19) VCF-style: chrX-37658314-C-T.
Other names: short protein forms Q261*.
Identifiers: ClinVar variation 533558 (VCV000533558.9), dbSNP rs1556469197, ClinGen allele CA412976704.